The following is an entry in ClinVar:

ClinVar aggregate classification (germline): Uncertain significance. Review status: criteria provided, multiple submitters, no conflicts (2 of 4 stars). 2 submissions from 2 submitters: Uncertain significance (2). Last evaluated 2026-06-13.

Conditions:
Hereditary cancer-predisposing syndrome. Also called: Tumor predisposition; Neoplastic Syndromes, Hereditary; Hereditary neoplastic syndrome; Hereditary Cancer Syndrome. Identifiers: Orphanet 140162, MedGen C0027672, MeSH D009386, MONDO:0015356.
Tuberous sclerosis 2 (TSC2). Identifiers: Orphanet 805, MedGen C1860707, MONDO:0013199, OMIM 613254.

Allele frequency attached by ClinVar (database versions not stated): gnomAD exomes below 0.00001; TOPMed below 0.00001.
gnomAD v4.1: 2 of 1,614,208 alleles (0.00012%); highest among the groups gnomAD compares: Non-Finnish European, 0.00017%; no homozygotes.

Submissions (2):

Ambry Genetics
Classification: Uncertain significance for Hereditary cancer-predisposing syndrome. Last evaluated: 2026-06-13. Review status: criteria provided, single submitter. Criteria: Ambry Variant Classification Scheme 2023. Collection method: clinical testing. Allele origin: germline.
Comment: The p.N182I variant (also known as c.545A>T), located in coding exon 5 of the TSC2 gene, results from an A to T substitution at nucleotide position 545. The asparagine at codon 182 is replaced by isoleucine, an amino acid with dissimilar properties. This amino acid position is conserved. In addition, this alteration is predicted to be deleterious by in silico analysis. Based on the available evidence, the clinical significance of this variant remains unclear.

Labcorp Genetics (formerly Invitae), Labcorp
Classification: Uncertain significance for Tuberous sclerosis 2. Last evaluated: 2019-12-12. Review status: criteria provided, single submitter. Criteria: Invitae Variant Classification Sherloc (09022015). Collection method: clinical testing. Allele origin: germline.
Comment: This variant has not been reported in the literature in individuals with TSC2-related conditions. In summary, the available evidence is currently insufficient to determine the role of this variant in disease. Therefore, it has been classified as a Variant of Uncertain Significance. Algorithms developed to predict the effect of missense changes on protein structure and function (SIFT, PolyPhen-2, Align-GVGD) all suggest that this variant is likely to be disruptive, but these predictions have not been confirmed by published functional studies and their clinical significance is uncertain. This variant is not present in population databases (ExAC no frequency). This sequence change replaces asparagine with isoleucine at codon 182 of the TSC2 protein (p.Asn182Ile). The asparagine residue is highly conserved and there is a large physicochemical difference between asparagine and isoleucine.

NM_000548.5(TSC2):c.545A>T (p.Asn182Ile)

Gene: TSC2 (TSC complex subunit 2; plus strand). Cytogenetic location: 16p13.3.
Variant type: single nucleotide variant.
Coding change: c.545A>T on transcript NM_000548.5 (MANE Select); coding-DNA position 545, A replaced by T.
Protein change: p.Asn182Ile; replaces asparagine 182 with isoleucine.
Molecular consequence: missense variant. On other transcripts: intron variant (1).
Genome position (GRCh38, 1-based): chr16:2,055,465, A>T. VCF-style: chr16-2055465-A-T. GRCh37 (hg19) VCF-style: chr16-2105466-A-T.
Other names: c.545A>T, p.Asn182Ile (NM_001077183.3, NM_001114382.3, NM_001363528.2 and 3 more transcripts); c.434A>T, p.Asn145Ile (NM_001318827.2); c.398A>T, p.Asn133Ile (NM_001318829.2); c.578A>T, p.Asn193Ile (NM_001318832.2); c.-1-731A>T (NM_001318831.2); short protein forms N145I, N193I, N133I, N182I.
Identifiers: ClinVar variation 834514 (VCV000834514.10), dbSNP rs1016698636, ClinGen allele CA276771999.
Genomic context (GRCh38, chr16:2,055,465, plus strand): 5'-ACTTTGTCCTGCAGTGGATGGATGTTGGCTTGTCCTCGGAATTCCTTCTGGTGCTGGTGA[A>T]CTTGGTCAAATTCAATAGCTGTTACCTCGACGAGTACATCGCAAGGATGGTTCAGTAAGA-3'
Protein context (NP_000539.2, residues 172-192): LSSEFLLVLV[Asn182Ile]LVKFNSCYLD